The following is an entry in ClinVar:

ClinVar aggregate classification (germline): Conflicting classifications of pathogenicity. Review status: criteria provided, conflicting classifications (1 of 4 stars). 2 submissions from 2 submitters: Uncertain significance (1); Likely benign (1). Last evaluated 2025-08-04.

Conditions:
Inborn genetic diseases. Identifiers: MedGen C0950123, MeSH D030342.

Allele frequency attached by ClinVar (database versions not stated): gnomAD exomes 0.00003 and 0.00001; gnomAD 0.00001; TOPMed 0.00001; ExAC 0.00002.
gnomAD v4.1: 48 of 1,559,544 alleles (0.0031%); highest among the groups gnomAD compares: Non-Finnish European, 0.0041%; no homozygotes.

Submissions (2):

Ambry Genetics
Classification: Uncertain significance for Inborn genetic diseases. Last evaluated: 2025-08-04. Review status: criteria provided, single submitter. Criteria: Ambry Variant Classification Scheme 2023. Collection method: clinical testing. Allele origin: germline.

GeneDx
Classification: Likely benign. Last evaluated: 2015-10-09. Review status: criteria provided, single submitter. Criteria: GeneDx Variant Classification (06012015). Collection method: clinical testing. Allele origin: germline. Affected: yes.
Comment: This variant is considered likely benign or benign based on one or more of the following criteria: it is a conservative change, it occurs at a poorly conserved position in the protein, it is predicted to be benign by multiple in silico algorithms, and/or has population frequency not consistent with disease.

NM_015443.4(KANSL1):c.439A>G (p.Thr147Ala)

Gene: KANSL1 (KAT8 regulatory NSL complex subunit 1). Cytogenetic location: 17q21.31.
Variant type: single nucleotide variant.
Coding change: c.439A>G on transcript NM_015443.4 (MANE Select); coding-DNA position 439, A replaced by G.
Protein change: p.Thr147Ala; replaces threonine 147 with alanine.
Molecular consequence: missense variant.
Genome position (GRCh38, 1-based): chr17:46,171,705, T>C on the plus strand (A>G on the coding strand, the complement: KANSL1 is on the minus strand). VCF-style: chr17-46171705-T-C. GRCh37 (hg19) VCF-style: chr17-44249071-T-C.
Other names: c.439A>G, p.Thr147Ala (NM_001193465.2, NM_001193466.2, NM_001379198.1); short protein forms T147A.
Identifiers: ClinVar variation 380974 (VCV000380974.2), dbSNP rs761775758, ClinGen allele CA8619054.